The following is an entry in ClinVar:

NC_000004.12:g.65719204_65764047dup

Variant type: Duplication.
Identifiers: ClinVar variation 156921 (VCV000156921.2).

ClinVar aggregate classification (germline): not provided (0 of 4 stars; one submission).

Conditions:
Normal pregnancy. Identifiers: MedGen C0232989.

Submission:

Institute of Molecular and Cell Biology, University of Tartu
No classification provided. Condition: Normal pregnancy. Review status: no classification provided. Collection method: case-control. Allele origin: unknown. Affected: yes. Study: Kasak2014.
Comment: The study aimed to determine the contribution of copy number variants in the genetic etiology of normal and complicated pregnancies. The samples represented (i) maternal blood DNA drawn from healthy pregnant women during 1st or 2nd trimester and (ii) maternal and paternal blood DNA drawn at term pregnancy cases representing normal and complicated gestations (severe preeclampsia, PE; gestational diabetes, GD; small-for-gestational age newborn, SGA; large-for-gestational age newborn, LGA). We performed CNV calling based on genome-wide genotyping dataset (Illumina HumanOmniExpress-24-v1 BeadChip) by applying three algorithms, QuantiSNP, GADA (Genome Alteration Detection Algorithm) and CNstream in parallel. The acquired CNV calls were merged with HD-CNV (Hotspot Detector for Copy Number Variants) program and only the CNVs predicted by at least two programs, were considered in subsequent analysis.

Literature cited by the submitters: PubMed 25666259.